The following is an entry in ClinVar:

ClinVar aggregate classification (germline): Conflicting classifications of pathogenicity. Review status: criteria provided, conflicting classifications (1 of 4 stars). 3 submissions from 3 submitters: Uncertain significance (1); Likely benign (1). 1 of the submissions does not count toward it. Last evaluated 2025-06-04.

Conditions:
Glutaric acidemia type 2C.
Multiple acyl-CoA dehydrogenase deficiency (MADD). Also called: GA II; ETHYLMALONIC-ADIPICACIDURIA; Glutaric Acidemia type 2; Glutaric aciduria, type 2; Glutaric acidemia type II; GA 2. Identifiers: Orphanet 26791, MedGen C0268596, MONDO:0009282, OMIM 231680.

Allele frequency attached by ClinVar (database versions not stated): TOPMed 0.00001.

Submissions (3):

Women's Health and Genetics/Laboratory Corporation of America, LabCorp
Classification: Likely benign. Last evaluated: 2025-06-04. Review status: criteria provided, single submitter. Criteria: LabCorp Variant Classification Summary - May 2015. Collection method: clinical testing. Allele origin: germline.
Comment: Variant summary: ETFDH c.488-9T>C alters a nucleotide located at a position not widely known to affect splicing. Consensus agreement among computation tools predict no significant impact on normal splicing. However, these predictions have yet to be confirmed by functional studies. The frequency data for this variant in gnomAD is considered unreliable, as metrics indicate poor data quality at this position. c.488-9T>C has been observed in an individual affected with Glutaric Aciduria, Type 2c (Wen_2010). These data do not allow any conclusion about variant significance. To our knowledge, no experimental evidence demonstrating an impact on protein function has been reported. The following publication have been ascertained in the context of this evaluation (PMID: 19758981). ClinVar contains an entry for this variant (Variation ID: 459965). Based on the evidence outlined above, the variant was classified as likely benign.

Labcorp Genetics (formerly Invitae), Labcorp
Classification: Uncertain significance for Multiple acyl-CoA dehydrogenase deficiency. Last evaluated: 2022-02-08. Review status: criteria provided, single submitter. Criteria: Invitae Variant Classification Sherloc (09022015). Collection method: clinical testing. Allele origin: germline.
Comment: This variant is not present in population databases (gnomAD no frequency). This sequence change falls in intron 4 of the ETFDH gene. It does not directly change the encoded amino acid sequence of the ETFDH protein. This variant has been observed in individual(s) with ETFDH-related disorders (PMID: 19758981, 24357026). This variant is also known as IVS4-9T>C. ClinVar contains an entry for this variant (Variation ID: 459965). Algorithms developed to predict the effect of sequence changes on RNA splicing suggest that this variant is not likely to affect RNA splicing. In summary, the available evidence is currently insufficient to determine the role of this variant in disease. Therefore, it has been classified as a Variant of Uncertain Significance.

Natera, Inc.
Classification: Uncertain significance for Glutaric acidemia type 2C. Last evaluated: 2021-07-30. Review status: no assertion criteria provided. Collection method: clinical testing. Allele origin: germline. Not counted in ClinVar's aggregate classification.

Literature cited by the submitters: PubMed 19758981 (cited by Women's Health and Genetics/Laboratory Corporation of America, LabCorp and Labcorp Genetics (formerly Invitae), Labcorp); PubMed 24357026 (cited by Labcorp Genetics (formerly Invitae), Labcorp).

NM_004453.4(ETFDH):c.488-9T>C

Gene: ETFDH (electron transfer flavoprotein dehydrogenase; plus strand). Cytogenetic location: 4q32.1.
Variant type: single nucleotide variant.
Coding change: c.488-9T>C on transcript NM_004453.4 (MANE Select); 9 bases into the intron before coding-DNA position 488, T replaced by C.
Molecular consequence: intron variant.
Genome position (GRCh38, 1-based): chr4:158,685,092, T>C. VCF-style: chr4-158685092-T-C. GRCh37 (hg19) VCF-style: chr4-159606244-T-C.
Other names: c.347-9T>C (NM_001281737.2); c.305-9T>C (NM_001281738.1).
Identifiers: ClinVar variation 459965 (VCV000459965.6), dbSNP rs1554031705, ClinGen allele CA658657406.